The following is an entry in ClinVar:

NM_001943.5(DSG2):c.914A>G (p.Asn305Ser)

Gene: DSG2 (desmoglein 2; plus strand). Cytogenetic location: 18q12.1.
Variant type: single nucleotide variant.
Coding change: c.914A>G on transcript NM_001943.5 (MANE Select); coding-DNA position 914, A replaced by G.
Protein change: p.Asn305Ser; replaces asparagine 305 with serine.
Molecular consequence: missense variant.
Genome position (GRCh38, 1-based): chr18:31,524,788, A>G. VCF-style: chr18-31524788-A-G. GRCh37 (hg19) VCF-style: chr18-29104751-A-G.
Other names: short protein forms N305S.
Identifiers: ClinVar variation 918592 (VCV000918592.13), dbSNP rs2073152820, ClinGen allele CA402135653.

ClinVar aggregate classification (germline): Uncertain significance. Review status: criteria provided, multiple submitters, no conflicts (2 of 4 stars). 4 submissions from 4 submitters: Uncertain significance (4). Last evaluated 2024-03-07.

Conditions:
Arrhythmogenic right ventricular dysplasia 10. Also called: Arrhythmogenic Right Ventricular Dysplasia/Cardiomyopathy10; ARRHYTHMOGENIC RIGHT VENTRICULAR DYSPLASIA, FAMILIAL, 10; Arrhythmogenic right ventricular dysplasia/cardiomyopathy, type 10. Identifiers: MedGen C1857777, MONDO:0012434, OMIM 610193.
Dilated cardiomyopathy 1BB (CMD1BB). Also called: CARDIOMYOPATHY, DILATED, 1BB, SUSCEPTIBILITY TO. Identifiers: Orphanet 154, MedGen C2752072, MONDO:0013030, OMIM 612877.
Arrhythmogenic right ventricular cardiomyopathy (ARVD). Also called: Arrhythmogenic cardiomyopathy; Cardiomyopathy, ARVC; Arrhythmogenic right ventricular dysplasia; Arrhythmogenic Right Ventricular Cardiomyopathy (ARVC). Identifiers: Orphanet 247, MedGen C0349788, MeSH D019571, MONDO:0016587. Disease mechanism: loss of function. Inheritance: Various modes of inheritance.
Cardiomyopathy (CMYO). Also called: Cardiomyopathies. Identifiers: Orphanet 167848, MedGen C0878544, MONDO:0004994, HP:0001638. Inheritance: Various modes of inheritance.

Allele frequency attached by ClinVar (database versions not stated): gnomAD exomes below 0.00001.

Submissions (4):

Color Diagnostics, LLC DBA Color Health
Classification: Uncertain significance for Cardiomyopathy. Last evaluated: 2024-03-07. Review status: criteria provided, single submitter. Criteria: ACMG Guidelines, 2015. Collection method: clinical testing. Allele origin: germline.
Comment: This missense variant replaces asparagine with serine at codon 305 of the DSG2 protein. Computational prediction tool is inconclusive regarding the impact of this variant on protein structure and function (internally defined REVEL score threshold 0.5 < inconclusive < 0.7, PMID: 27666373). Splice site prediction tools suggest that this variant may not impact RNA splicing. To our knowledge, functional studies have not been performed for this variant. This variant has not been reported in individuals affected with cardiovascular disorders in the literature. This variant has not been identified in the general population by the Genome Aggregation Database (gnomAD). The available evidence is insufficient to determine the role of this variant in disease conclusively. Therefore, this variant is classified as a Variant of Uncertain Significance.

All of Us Research Program, National Institutes of Health
Classification: Uncertain significance for Arrhythmogenic right ventricular cardiomyopathy. Last evaluated: 2023-08-15. Review status: criteria provided, single submitter. Criteria: ACMG Guidelines, 2015. Collection method: clinical testing. Allele origin: germline. Inheritance: Autosomal dominant inheritance. Observed: 1 variant allele, 1 heterozygote.
Comment: This missense variant replaces asparagine with serine at codon 305 of the DSG2 protein. Computational prediction tool is inconclusive regarding the impact of this variant on protein structure and function (internally defined REVEL score threshold 0.5 < inconclusive < 0.7, PMID: 27666373). Splice site prediction tools suggest that this variant may not impact RNA splicing. To our knowledge, functional studies have not been performed for this variant. This variant has not been reported in individuals affected with cardiovascular disorders in the literature. This variant has not been identified in the general population by the Genome Aggregation Database (gnomAD). The available evidence is insufficient to determine the role of this variant in disease conclusively. Therefore, this variant is classified as a Variant of Uncertain Significance.

This study involves interpretation of variants in research participants for the purpose of population health screening. Participant phenotype was not available at the time of variant classification. Additional details can be found in publication PMID: 35346344, PMCID: PMC8962531

Fulgent Genetics
Classification: Uncertain significance for Arrhythmogenic right ventricular dysplasia 10; Dilated cardiomyopathy 1BB. Last evaluated: 2021-10-12. Review status: criteria provided, single submitter. Criteria: ACMG Guidelines, 2015. Collection method: clinical testing. Allele origin: unknown.

Labcorp Genetics (formerly Invitae), Labcorp
Classification: Uncertain significance for Arrhythmogenic right ventricular dysplasia 10. Last evaluated: 2021-05-11. Review status: criteria provided, single submitter. Criteria: Invitae Variant Classification Sherloc (09022015). Collection method: clinical testing. Allele origin: germline.
Comment: Algorithms developed to predict the effect of missense changes on protein structure and function are either unavailable or do not agree on the potential impact of this missense change (SIFT: "Tolerated"; PolyPhen-2: "Probably Damaging"; Align-GVGD: "Class C0"). This variant has not been reported in the literature in individuals with DSG2-related conditions. ClinVar contains an entry for this variant (Variation ID: 918592). This variant is not present in population databases (ExAC no frequency). This sequence change replaces asparagine with serine at codon 305 of the DSG2 protein (p.Asn305Ser). The asparagine residue is highly conserved and there is a small physicochemical difference between asparagine and serine. In summary, the available evidence is currently insufficient to determine the role of this variant in disease. Therefore, it has been classified as a Variant of Uncertain Significance.